The following is an entry in ClinVar:

ClinVar aggregate classification (germline): Uncertain significance (1 of 4 stars; one submission).

Conditions:
Capillary malformation-arteriovenous malformation syndrome. Also called: Capillary malformation-arteriovenous malformation. Identifiers: Orphanet 137667, MedGen C1842180, MONDO:0012016.

Submission:

Labcorp Genetics (formerly Invitae), Labcorp
Classification: Uncertain significance for Capillary malformation-arteriovenous malformation syndrome. Last evaluated: 2025-06-12. Review status: criteria provided, single submitter. Criteria: Invitae Variant Classification Sherloc (09022015). Collection method: clinical testing. Allele origin: germline.
Comment: This sequence change replaces serine, which is neutral and polar, with asparagine, which is neutral and polar, at codon 665 of the RASA1 protein (p.Ser665Asn). This variant is not present in population databases (gnomAD no frequency). This variant has not been reported in the literature in individuals affected with RASA1-related conditions. ClinVar contains an entry for this variant (Variation ID: 2827693). An algorithm developed to predict the effect of missense changes on protein structure and function (PolyPhen-2) suggests that this variant is likely to be tolerated. In summary, the available evidence is currently insufficient to determine the role of this variant in disease. Therefore, it has been classified as a Variant of Uncertain Significance.

NM_002890.3(RASA1):c.1994G>A (p.Ser665Asn)

Genes: CCNH (cyclin H; minus strand), RASA1 (RAS p21 protein activator 1; plus strand). Cytogenetic location: 5q14.3.
Variant type: single nucleotide variant.
Coding change: c.1994G>A on transcript NM_002890.3 (MANE Select); coding-DNA position 1994, G replaced by A.
Protein change: p.Ser665Asn; replaces serine 665 with asparagine.
Molecular consequence: missense variant. On other transcripts: intron variant (1).
Genome position (GRCh38, 1-based): chr5:87,374,899, G>A. VCF-style: chr5-87374899-G-A. GRCh37 (hg19) VCF-style: chr5-86670716-G-A.
Other names: c.1463G>A, p.Ser488Asn (NM_022650.3); c.933+20145C>T (NM_001364075.2); short protein forms S488N, S665N.
Identifiers: ClinVar variation 2827693 (VCV002827693.3), dbSNP rs2531342072, ClinGen allele CA360376475.
Genomic context (GRCh38, chr5:87,374,899, plus strand): 5'-GTGATCTTCCTCCTGACATCAATAGATTTGAAATAACTCTTAGTAATAAAACAAAGAAAA[G>A]CAAAGATCCTGATATCTGTAAGTTGATACAGAAACTTTCTAAAATAGAAAAAGCATGTTT-3'
Protein context (NP_002881.1, residues 655-675): EITLSNKTKK[Ser665Asn]KDPDILFMRC